The following is an entry in ClinVar:

ClinVar aggregate classification (germline): Benign/Likely benign. Review status: criteria provided, multiple submitters, no conflicts (2 of 4 stars). 8 submissions from 8 submitters: Benign (4); Likely benign (4). Last evaluated 2026-01-25.

Conditions:
Breast-ovarian cancer, familial, susceptibility to, 5 (BROVCA5). Identifiers: MedGen C5830615, MONDO:0957530, OMIM 620442.
Hereditary breast ovarian cancer syndrome. Also called: Hereditary breast and ovarian cancer syndrome; Breast and ovarian cancer; Hereditary breast and ovarian cancer; Hereditary breast and ovarian cancer syndrome (HBOC); Hereditary breast and/or ovarian cancer syndrome; BRCA1- and BRCA2-Associated Hereditary Breast and Ovarian Cancer. Identifiers: Orphanet 145, MedGen C0677776, MeSH D061325, MONDO:0003582. Disease mechanism: loss of function.
Hereditary cancer-predisposing syndrome. Also called: Tumor predisposition; Neoplastic Syndromes, Hereditary; Hereditary neoplastic syndrome; Hereditary Cancer Syndrome. Identifiers: Orphanet 140162, MedGen C0027672, MeSH D009386, MONDO:0015356.
Familial cancer of breast. Also called: BREAST CANCER, FAMILIAL; Hereditary breast cancer; hereditary breast carcinoma. Identifiers: Orphanet 227535, MedGen C0346153, MONDO:0016419, OMIM 114480. Disease mechanism: loss of function.

Allele frequency attached by ClinVar (database versions not stated): gnomAD exomes 0.00004 and 0.00011; ExAC 0.00015; 1000 Genomes Project 30x 0.00016; 1000 Genomes Project 0.00020; TOPMed 0.00030; gnomAD 0.00033 and 0.00034; ESP Exome Variant Server 0.00038.
gnomAD v4.1: 112 of 1,544,054 alleles (0.0073%); highest among the groups gnomAD compares: African/African-American, 0.13%; no homozygotes.

Submissions (8):

Labcorp Genetics (formerly Invitae), Labcorp
Classification: Benign for Familial cancer of breast. Last evaluated: 2026-01-25. Review status: criteria provided, single submitter. Criteria: Invitae Variant Classification Sherloc (09022015). Collection method: clinical testing. Allele origin: germline.

Genomic Medicine Center of Excellence, King Faisal Specialist Hospital and Research Centre
Classification: Likely benign for Breast-ovarian cancer, familial, susceptibility to, 5. Last evaluated: 2025-09-10. Review status: criteria provided, single submitter. Criteria: ACMG Guidelines, 2015. Collection method: clinical testing. Allele origin: germline.

Blueprint Genetics
Classification: Likely benign. Last evaluated: 2024-01-30. Review status: criteria provided, single submitter. Criteria: ACMG Guidelines, 2015. Collection method: clinical testing. Allele origin: germline.

KCCC/NGS Laboratory, Kuwait Cancer Control Center
Classification: Benign for Breast-ovarian cancer, familial, susceptibility to, 5. Last evaluated: 2023-07-07. Review status: criteria provided, single submitter. Criteria: ACMG Guidelines, 2015. Collection method: clinical testing. Allele origin: germline. Affected: yes.

National Health Laboratory Service, Universitas Academic Hospital and University of the Free State
Classification: Likely benign for Hereditary breast ovarian cancer syndrome. Last evaluated: 2022-04-19. Review status: criteria provided, single submitter. Criteria: ACMG Guidelines, 2015. Collection method: clinical testing. Allele origin: germline. Affected: yes. Observed: 1 variant allele.

ARUP Laboratories, Molecular Genetics and Genomics, ARUP Laboratories
Classification: Benign. Last evaluated: 2021-05-08. Review status: criteria provided, single submitter. Criteria: ARUP Molecular Germline Variant Investigation Process 2021. Collection method: clinical testing. Allele origin: germline.

Color Diagnostics, LLC DBA Color Health
Classification: Likely benign for Hereditary cancer-predisposing syndrome. Last evaluated: 2016-02-25. Review status: criteria provided, single submitter. Criteria: ACMG Guidelines, 2015. Collection method: clinical testing. Allele origin: germline.

GeneDx
Classification: Benign. Last evaluated: 2015-06-23. Review status: criteria provided, single submitter. Criteria: GeneDx Variant Classification (06012015). Collection method: clinical testing. Allele origin: germline. Affected: yes.
Comment: This variant is considered likely benign or benign based on one or more of the following criteria: it is a conservative change, it occurs at a poorly conserved position in the protein, it is predicted to be benign by multiple in silico algorithms, and/or has population frequency not consistent with disease.

NM_024675.4(PALB2):c.2834+15A>G

Gene: PALB2 (partner and localizer of BRCA2; minus strand). Cytogenetic location: 16p12.2.
Variant type: single nucleotide variant.
Coding change: c.2834+15A>G on transcript NM_024675.4 (MANE Select); 15 bases into the intron after coding-DNA position 2834, A replaced by G.
Molecular consequence: intron variant.
Genome position (GRCh38, 1-based): chr16:23,623,994, T>C on the plus strand (A>G on the coding strand, the complement: PALB2 is on the minus strand). VCF-style: chr16-23623994-T-C. GRCh37 (hg19) VCF-style: chr16-23635315-T-C.
Identifiers: ClinVar variation 378319 (VCV000378319.22), dbSNP rs149791114, ClinGen allele CA7963475.